The following is an entry in ClinVar:

NM_002693.3(POLG):c.1910G>A (p.Gly637Asp)

Gene: POLG (DNA polymerase gamma, catalytic subunit; minus strand). Cytogenetic location: 15q26.1.
Variant type: single nucleotide variant.
Coding change: c.1910G>A on transcript NM_002693.3 (MANE Select); coding-DNA position 1910, G replaced by A.
Protein change: p.Gly637Asp; replaces glycine 637 with aspartic acid.
Molecular consequence: missense variant.
Genome position (GRCh38, 1-based): chr15:89,325,489, C>T on the plus strand (G>A on the coding strand, the complement: POLG is on the minus strand). VCF-style: chr15-89325489-C-T. GRCh37 (hg19) VCF-style: chr15-89868720-C-T.
Other names: c.1910G>A, p.Gly637Asp (NM_001126131.2); short protein forms G637D.
Identifiers: ClinVar variation 888220 (VCV000888220.10), dbSNP rs748925763, ClinGen allele CA7724664.

ClinVar aggregate classification (germline): Uncertain significance. Review status: criteria provided, multiple submitters, no conflicts (2 of 4 stars). 5 submissions from 5 submitters: Uncertain significance (5). Last evaluated 2023-05-04.

Conditions:
Progressive sclerosing poliodystrophy (MTDPS4A). Also called: Alpers-Huttenlocher Syndrome (AHS); Alpers Syndrome; ALPERS DIFFUSE DEGENERATION OF CEREBRAL GRAY MATTER WITH HEPATIC CIRRHOSIS; NEURONAL DEGENERATION OF CHILDHOOD WITH LIVER DISEASE, PROGRESSIVE; Mitochondrial DNA Depletion Syndrome 4A; ALPERS PROGRESSIVE INFANTILE POLIODYSTROPHY. Identifiers: Orphanet 726, MedGen C0205710, MONDO:0008758, OMIM 203700.
POLG-related disorder. Also called: POLG-related condition; POLG-Related Disorders; POLG-Related Spectrum Disorders. Identifiers: MedGen C4763519.

Allele frequency attached by ClinVar (database versions not stated): gnomAD 0.00001; gnomAD exomes 0.00001 and 0.00002; ExAC 0.00002.
gnomAD v4.1: 14 of 1,608,164 alleles (0.00087%); highest among the groups gnomAD compares: Middle Eastern, 0.033%; no homozygotes.

Submissions (5):

Blueprint Genetics
Classification: Uncertain significance. Last evaluated: 2023-05-04. Review status: criteria provided, single submitter. Criteria: ACMG Guidelines, 2015. Collection method: clinical testing. Allele origin: germline.

Labcorp Genetics (formerly Invitae), Labcorp
Classification: Uncertain significance for Progressive sclerosing poliodystrophy. Last evaluated: 2022-06-10. Review status: criteria provided, single submitter. Criteria: Invitae Variant Classification Sherloc (09022015). Collection method: clinical testing. Allele origin: germline.
Comment: This sequence change replaces glycine, which is neutral and non-polar, with aspartic acid, which is acidic and polar, at codon 637 of the POLG protein (p.Gly637Asp). This variant is present in population databases (rs748925763, gnomAD 0.01%). This variant has not been reported in the literature in individuals affected with POLG-related conditions. ClinVar contains an entry for this variant (Variation ID: 888220). Algorithms developed to predict the effect of missense changes on protein structure and function output the following: SIFT: "Tolerated"; PolyPhen-2: "Benign"; Align-GVGD: "Class C0". The aspartic acid amino acid residue is found in multiple mammalian species, which suggests that this missense change does not adversely affect protein function. Algorithms developed to predict the effect of sequence changes on RNA splicing suggest that this variant may disrupt the consensus splice site. In summary, the available evidence is currently insufficient to determine the role of this variant in disease. Therefore, it has been classified as a Variant of Uncertain Significance.

Revvity Omics, Revvity
Classification: Uncertain significance. Last evaluated: 2020-10-27. Review status: criteria provided, single submitter. Criteria: ACMG Guidelines, 2015. Collection method: clinical testing. Allele origin: germline.

Laboratorio de Genetica e Diagnostico Molecular, Hospital Israelita Albert Einstein
Classification: Uncertain significance. Last evaluated: 2019-11-14. Review status: criteria provided, single submitter. Criteria: ACMG Guidelines, 2015. Collection method: clinical testing. Allele origin: germline. Affected: yes.
Comment: ACMG classification criteria: PM2, BP4

Illumina Laboratory Services, Illumina
Classification: Uncertain significance for POLG-Related Spectrum Disorders. Last evaluated: 2018-01-13. Review status: criteria provided, single submitter. Criteria: ICSL Variant Classification Criteria 13 December 2019. Collection method: clinical testing. Allele origin: germline.